The following is an entry in ClinVar:

NM_001447.3(FAT2):c.9039+16G>A

Genes: FAT2 (FAT atypical cadherin 2; minus strand), SLC36A1 (solute carrier family 36 member 1; plus strand). Cytogenetic location: 5q33.1.
Variant type: single nucleotide variant.
Coding change: c.9039+16G>A on transcript NM_001447.3 (MANE Select); 16 bases into the intron after coding-DNA position 9039, G replaced by A.
Molecular consequence: intron variant.
Genome position (GRCh38, 1-based): chr5:151,540,551, C>T on the plus strand (G>A on the coding strand, the complement: FAT2 is on the minus strand). VCF-style: chr5-151540551-C-T. GRCh37 (hg19) VCF-style: chr5-150920112-C-T.
Identifiers: ClinVar variation 4525717 (VCV004525717.1).

ClinVar aggregate classification (germline): Likely benign (1 of 4 stars; one submission).

Submission:

Women's Health and Genetics/Laboratory Corporation of America, LabCorp
Classification: Likely benign. Last evaluated: 2025-07-21. Review status: criteria provided, single submitter. Criteria: LabCorp Variant Classification Summary - May 2015. Collection method: clinical testing. Allele origin: germline.
Comment: Variant summary: FAT2 c.9039+16G>A alters a non-conserved nucleotide located at a position not widely known to affect splicing. Consensus agreement among computation tools predict no significant impact on normal splicing. However, these predictions have yet to be confirmed by functional studies. The variant was absent in 244428 control chromosomes. The available data on variant occurrences in the general population are insufficient to allow any conclusion about variant significance. To our knowledge, no occurrence of c.9039+16G>A in individuals affected with Spinocerebellar Ataxia 45 and no experimental evidence demonstrating its impact on protein function have been reported. No submitters have cited clinical-significance assessments for this variant to ClinVar. Based on the evidence outlined above, the variant was classified as likely benign.